The following is an entry in ClinVar:

NM_004273.5(CHST3):c.141-1_141inv

Gene: CHST3 (carbohydrate sulfotransferase 3; plus strand). Cytogenetic location: 10q22.1.
Variant type: Inversion.
Coding change: c.141-1_141inv on transcript NM_004273.5 (MANE Select).
Molecular consequence: splice acceptor variant.
Genome position: GRCh38 VCF-style: chr10-72007171-GG-CC. GRCh37 (hg19) VCF-style: chr10-73766929-GG-CC.
Identifiers: ClinVar variation 2431679 (VCV002431679.1), ClinGen allele CA2580081869.
Genomic context (GRCh38, chr10:72,007,171, plus strand): 5'-GGTTGCCCAGGAGACGGGGTCCCCAGTCAGCCACTGACCCTGATCTTCTTTGTCCTCACA[GG>CC]GTCTCAGACAAGCTGAAGCAGATTCCCCAAGCTCTAGCAGATGCCAACAGCACCGACCCA-3'

ClinVar aggregate classification (germline): Likely pathogenic (1 of 4 stars; one submission).

Conditions:
Spondyloepiphyseal dysplasia with congenital joint dislocations (SEDCJD). Also called: Chondrodysplasia with Congenital Joint Dislocations, CHST3-Related. Identifiers: Orphanet 263463, MedGen C1837657, MONDO:0007738, OMIM 143095.

Submission:

Laboratorio de Genetica e Diagnostico Molecular, Hospital Israelita Albert Einstein
Classification: Likely pathogenic for Spondyloepiphyseal dysplasia with congenital joint dislocations. Last evaluated: 2022-02-15. Review status: criteria provided, single submitter. Criteria: ACMG Guidelines, 2015. Collection method: clinical testing. Allele origin: germline. Affected: yes. Observed: 2 variant alleles.
Comment: ACMG classification criteria: PVS1 strong, PS4 supporting, PM2, PM3 moderated